The following is an entry in ClinVar:

ClinVar aggregate classification (germline): Uncertain significance (1 of 4 stars; one submission).

Conditions:
Long QT syndrome 10 (LQT10). Identifiers: Orphanet 101016, Orphanet 768, MedGen C2678484, MONDO:0012737, OMIM 611819.

Submission:

Labcorp Genetics (formerly Invitae), Labcorp
Classification: Uncertain significance for Long QT syndrome 10. Last evaluated: 2022-09-13. Review status: criteria provided, single submitter. Criteria: Invitae Variant Classification Sherloc (09022015). Collection method: clinical testing. Allele origin: germline.
Comment: In summary, the available evidence is currently insufficient to determine the role of this variant in disease. Therefore, it has been classified as a Variant of Uncertain Significance. Experimental studies and prediction algorithms are not available or were not evaluated, and the functional significance of this variant is currently unknown. This variant has not been reported in the literature in individuals affected with SCN4B-related conditions. This variant is a gross deletion of the genomic region encompassing exon(s) 2-3 of the SCN4B gene. This variant would be expected to be in-frame, preserving the integrity of the reading frame.

NC_000011.9:g.(?_118014528)_(118015964_?)del

Gene: SCN4B (sodium voltage-gated channel beta subunit 4; minus strand). Cytogenetic location: 11q23.3.
Variant type: Deletion.
Identifiers: ClinVar variation 2427531 (VCV002427531.4).